The following is an entry in ClinVar:

ClinVar aggregate classification (germline): Uncertain significance (1 of 4 stars; one submission).

Allele frequency attached by ClinVar (database versions not stated): gnomAD exomes below 0.00001; ExAC 0.00002.
gnomAD v4.1: 2 of 1,554,150 alleles (0.00013%); highest among the groups gnomAD compares: Admixed American, 0.0019%; no homozygotes.

Submission:

Labcorp Genetics (formerly Invitae), Labcorp
Classification: Uncertain significance. Last evaluated: 2023-12-19. Review status: criteria provided, single submitter. Criteria: Invitae Variant Classification Sherloc (09022015). Collection method: clinical testing. Allele origin: germline.
Comment: This sequence change replaces histidine, which is basic and polar, with tyrosine, which is neutral and polar, at codon 450 of the POLE2 protein (p.His450Tyr). The frequency data for this variant in the population databases is considered unreliable, as metrics indicate poor data quality at this position in the gnomAD database. This variant has not been reported in the literature in individuals affected with POLE2-related conditions. An algorithm developed to predict the effect of missense changes on protein structure and function (PolyPhen-2) suggests that this variant is likely to be disruptive. In summary, the available evidence is currently insufficient to determine the role of this variant in disease. Therefore, it has been classified as a Variant of Uncertain Significance.

NM_002692.4(POLE2):c.1348C>T (p.His450Tyr)

Gene: POLE2 (DNA polymerase epsilon 2, accessory subunit; minus strand). Cytogenetic location: 14q21.3.
Variant type: single nucleotide variant.
Coding change: c.1348C>T on transcript NM_002692.4 (MANE Select); coding-DNA position 1348, C replaced by T.
Protein change: p.His450Tyr; replaces histidine 450 with tyrosine.
Molecular consequence: missense variant.
Genome position (GRCh38, 1-based): chr14:49,650,414, G>A on the plus strand (C>T on the coding strand, the complement: POLE2 is on the minus strand). VCF-style: chr14-49650414-G-A. GRCh37 (hg19) VCF-style: chr14-50117132-G-A.
Other names: c.1270C>T, p.His424Tyr (NM_001197330.2); c.1348C>T, p.His450Tyr (NM_001197331.3); c.1345C>T, p.His449Tyr (NM_001348384.2); c.1117C>T, p.His373Tyr (NM_001348385.2); short protein forms H450Y, H373Y, H424Y, H449Y.
Identifiers: ClinVar variation 2876998 (VCV002876998.3), dbSNP rs199793850, ClinGen allele CA7173291.